The following is an entry in ClinVar:

ClinVar aggregate classification (germline): Uncertain significance. Review status: criteria provided, multiple submitters, no conflicts (2 of 4 stars). 2 submissions from 2 submitters: Uncertain significance (2). Last evaluated 2025-09-21.

Conditions:
Joubert syndrome 23 (JBTS23). Identifiers: Orphanet 475, MedGen C4084822, MONDO:0014664, OMIM 616490.
Short-rib thoracic dysplasia 14 with polydactyly (SRTD14). Identifiers: Orphanet 397715, MedGen C4225286, MONDO:0014688, OMIM 616546.
Inborn genetic diseases. Identifiers: MedGen C0950123, MeSH D030342.

Allele frequency attached by ClinVar (database versions not stated): gnomAD exomes 0.00010 and 0.00009; ExAC 0.00017; ESP Exome Variant Server 0.00008.
gnomAD v4.1: 152 of 1,613,810 alleles (0.0094%); highest among the groups gnomAD compares: Non-Finnish European, 0.012%; 1 homozygote.

Submissions (2):

Ambry Genetics
Classification: Uncertain significance for Inborn genetic diseases. Last evaluated: 2025-09-21. Review status: criteria provided, single submitter. Criteria: Ambry Variant Classification Scheme 2023. Collection method: clinical testing. Allele origin: germline.

Labcorp Genetics (formerly Invitae), Labcorp
Classification: Uncertain significance for Joubert syndrome 23; Short-rib thoracic dysplasia 14 with polydactyly. Last evaluated: 2022-08-03. Review status: criteria provided, single submitter. Criteria: Invitae Variant Classification Sherloc (09022015). Collection method: clinical testing. Allele origin: germline.
Comment: This sequence change replaces lysine, which is basic and polar, with asparagine, which is neutral and polar, at codon 24 of the KIAA0586 protein (p.Lys24Asn). This variant is present in population databases (rs372215354, gnomAD 0.02%). This variant has not been reported in the literature in individuals affected with KIAA0586-related conditions. ClinVar contains an entry for this variant (Variation ID: 1358660). Algorithms developed to predict the effect of missense changes on protein structure and function output the following: SIFT: "Tolerated"; PolyPhen-2: "Benign"; Align-GVGD: "Class C0". The asparagine amino acid residue is found in multiple mammalian species, which suggests that this missense change does not adversely affect protein function. In summary, the available evidence is currently insufficient to determine the role of this variant in disease. Therefore, it has been classified as a Variant of Uncertain Significance.

NM_001329943.3(KIAA0586):c.36A>C (p.Lys12Asn)

Gene: KIAA0586 (KIAA0586; plus strand). Cytogenetic location: 14q23.1.
Variant type: single nucleotide variant.
Coding change: c.36A>C on transcript NM_001329943.3 (MANE Select); coding-DNA position 36, A replaced by C.
Protein change: p.Lys12Asn; replaces lysine 12 with asparagine.
Molecular consequence: missense variant. On other transcripts: 5 prime UTR variant (1), intron variant (5).
Genome position (GRCh38, 1-based): chr14:58,428,300, A>C. VCF-style: chr14-58428300-A-C. GRCh37 (hg19) VCF-style: chr14-58895018-A-C.
Other names: c.36A>C (NM_014749.3); c.72A>C, p.Lys24Asn (NM_001244189.2); c.-10A>C (NM_001244190.2); c.36A>C, p.Lys12Asn (NM_001329944.2, NM_001329946.2, NM_001329947.2 and 1 more transcripts); c.-57+663A>C (NM_001244192.2, NM_001244191.2); c.-57+487A>C (NM_001364701.2, NM_001329945.2, NM_001364700.1); short protein forms K12N, K24N.
Identifiers: ClinVar variation 1358660 (VCV001358660.7), dbSNP rs372215354, ClinGen allele CA7205250.